The following is an entry in ClinVar:

NM_015205.3(ATP11A):c.1508T>G (p.Val503Gly)

Gene: ATP11A (ATPase phospholipid transporting 11A; plus strand). Cytogenetic location: 13q34.
Variant type: single nucleotide variant.
Coding change: c.1508T>G on transcript NM_015205.3 (MANE Select); coding-DNA position 1508, T replaced by G.
Protein change: p.Val503Gly; replaces valine 503 with glycine.
Molecular consequence: missense variant.
Genome position (GRCh38, 1-based): chr13:112,832,972, T>G. VCF-style: chr13-112832972-T-G. GRCh37 (hg19) VCF-style: chr13-113487286-T-G.
Other names: NC_000013.10:g.113487286T>G; c.1508T>G, p.Val503Gly (NM_032189.4); short protein forms V503G.
Identifiers: ClinVar variation 721191 (VCV000721191.30), dbSNP rs143634322, ClinGen allele CA7056805.

ClinVar aggregate classification (germline): Benign/Likely benign. Review status: criteria provided, multiple submitters, no conflicts (2 of 4 stars). 3 submissions from 3 submitters: Benign (2); Likely benign (1). Last evaluated 2026-07-01.

Conditions:
ATP11A-related disorder. Also called: ATP11A-related condition.

Allele frequency attached by ClinVar (database versions not stated): gnomAD exomes 0.00391 and 0.00269; 1000 Genomes Project 30x 0.00125; 1000 Genomes Project 0.00140; TOPMed 0.00229; ESP Exome Variant Server 0.00238; ExAC 0.00268; gnomAD 0.00270 and 0.00277.
gnomAD v4.1: 6,078 of 1,613,838 alleles (0.38%); highest among the groups gnomAD compares: Non-Finnish European, 0.44%; 20 homozygotes.

Submissions (4):

CeGaT Center for Human Genetics Tuebingen
Classification: Likely benign. Last evaluated: 2026-07-01. Review status: criteria provided, single submitter. Criteria: CeGaT Center For Human Genetics Tuebingen Variant Classification Criteria Version 2. Collection method: clinical testing. Allele origin: germline. Affected: yes. Observed: 7 variant alleles.
Comment: ATP11A: BP4, BS2

PreventionGenetics, part of Exact Sciences
Classification: Benign for ATP11A-related condition. Last evaluated: 2025-11-06. Review status: criteria provided, single submitter. Criteria: ACMG Guidelines, 2015. Collection method: clinical testing. Allele origin: germline.
Comment: This variant is classified as benign based on ACMG/AMP sequence variant interpretation guidelines (Richards et al. 2015 PMID: 25741868, with internal and published modifications).

Labcorp Genetics (formerly Invitae), Labcorp
Classification: Benign. Last evaluated: 2019-12-31. Review status: criteria provided, single submitter. Criteria: Invitae Variant Classification Sherloc (09022015). Collection method: clinical testing. Allele origin: germline.

Dr. Peter K. Rogan Lab, Western University
No classification provided (evidence only). Condition: Malignant tumor of urinary bladder. Review status: no classification provided. Collection method: in vitro. Allele origin: not applicable. Functional consequence: retained intron. Not counted in ClinVar's aggregate classification.